The following is an entry in ClinVar:

ClinVar aggregate classification (germline): Benign/Likely benign. Review status: criteria provided, multiple submitters, no conflicts (2 of 4 stars). 3 submissions from 3 submitters: Benign (1); Likely benign (2). Last evaluated 2025-08-19.

Conditions:
Inborn genetic diseases. Identifiers: MedGen C0950123, MeSH D030342.
Developmental and epileptic encephalopathy, 30 (DEE30). Also called: Epileptic encephalopathy, early infantile, 30. Identifiers: MedGen C4225360, MONDO:0014595, OMIM 616341.

Allele frequency attached by ClinVar (database versions not stated): gnomAD 0.00003; gnomAD exomes 0.00022; ExAC 0.00027.

Submissions (3):

Labcorp Genetics (formerly Invitae), Labcorp
Classification: Likely benign for Developmental and epileptic encephalopathy, 30. Last evaluated: 2025-08-19. Review status: criteria provided, single submitter. Criteria: Invitae Variant Classification Sherloc (09022015). Collection method: clinical testing. Allele origin: germline.

CeGaT Center for Human Genetics Tuebingen
Classification: Benign. Last evaluated: 2024-01-01. Review status: criteria provided, single submitter. Criteria: CeGaT Center For Human Genetics Tuebingen Variant Classification Criteria Version 2. Collection method: clinical testing. Allele origin: germline. Affected: yes. Observed: 2 variant alleles.
Comment: SIK1: BS1, BS2

Ambry Genetics
Classification: Likely benign for Inborn genetic diseases. Last evaluated: 2018-06-15. Review status: criteria provided, single submitter. Criteria: Ambry Variant Classification Scheme 2023. Collection method: clinical testing. Allele origin: germline.

NM_173354.5(SIK1):c.1064G>A (p.Arg355His)

Gene: SIK1 (salt inducible kinase 1; minus strand). Cytogenetic location: 21q22.3.
Variant type: single nucleotide variant.
Coding change: c.1064G>A on transcript NM_173354.5 (MANE Select); coding-DNA position 1064, G replaced by A.
Protein change: p.Arg355His; replaces arginine 355 with histidine.
Molecular consequence: missense variant.
Genome position (GRCh38, 1-based): chr21:43,419,914, C>T on the plus strand (G>A on the coding strand, the complement: SIK1 is on the minus strand). VCF-style: chr21-43419914-C-T. GRCh37 (hg19) VCF-style: chr21-44839794-C-T.
Other names: short protein forms R355H.
Identifiers: ClinVar variation 542706 (VCV000542706.45), dbSNP rs759838082, ClinGen allele CA321326497.
Genomic context (GRCh38, chr21:43,419,914, plus strand): 5'-CTCACCTCCAAACCACTGAGGTCCGAGCTCCGAGGCCGCGGCTGCCTGGCAGGCCCGGGG[C>T]GGGCGCACTGGGCATTCCGATACTCCTTGAGCCGCTCAAGGAGGAGGTAATAAATGGCAG-3'
Protein context (NP_775490.2, residues 345-365): LKEYRNAQCA[Arg355His]PGPARQPRPR